The following is an entry in ClinVar:

NM_000161.3(GCH1):c.272T>A (p.Leu91Gln)

Gene: GCH1 (GTP cyclohydrolase 1; minus strand). Cytogenetic location: 14q22.2.
Variant type: single nucleotide variant.
Coding change: c.272T>A on transcript NM_000161.3 (MANE Select); coding-DNA position 272, T replaced by A.
Protein change: p.Leu91Gln; replaces leucine 91 with glutamine.
Molecular consequence: missense variant.
Genome position (GRCh38, 1-based): chr14:54,902,392, A>T on the plus strand (T>A on the coding strand, the complement: GCH1 is on the minus strand). VCF-style: chr14-54902392-A-T. GRCh37 (hg19) VCF-style: chr14-55369110-A-T.
Other names: c.272T>A, p.Leu91Gln (NM_001024024.2, NM_001024070.2, NM_001024071.2); short protein forms L91Q.
Identifiers: ClinVar variation 2121290 (VCV002121290.4), dbSNP rs2504539343, ClinGen allele CA389793715.

ClinVar aggregate classification (germline): Likely pathogenic (1 of 4 stars; one submission).

Conditions:
GTP cyclohydrolase I deficiency. Identifiers: MedGen C0268467, MONDO:0100184.
Dystonia 5 (DRD). Also called: Dystonia, DOPA-responsive, with or without hyperphenylalaninemia; DYT-GCH1; DYSTONIA, PROGRESSIVE, WITH DIURNAL VARIATION; DYSTONIA-PARKINSONISM WITH DIURNAL FLUCTUATION; GTP Cyclohydrolase 1-Deficient Dopa-Responsive Dystonia. Identifiers: Orphanet 98808, MedGen C1851920, MONDO:0007495, OMIM 128230.

Submission:

Labcorp Genetics (formerly Invitae), Labcorp
Classification: Likely pathogenic for GTP cyclohydrolase I deficiency; Dystonia 5. Last evaluated: 2024-02-16. Review status: criteria provided, single submitter. Criteria: Invitae Variant Classification Sherloc (09022015). Collection method: clinical testing. Allele origin: germline.
Comment: This sequence change replaces leucine, which is neutral and non-polar, with glutamine, which is neutral and polar, at codon 91 of the GCH1 protein (p.Leu91Gln). This variant is not present in population databases (gnomAD no frequency). This missense change has been observed in individual(s) with clinical features of dystonia (Invitae). ClinVar contains an entry for this variant (Variation ID: 2121290). Advanced modeling of protein sequence and biophysical properties (such as structural, functional, and spatial information, amino acid conservation, physicochemical variation, residue mobility, and thermodynamic stability) performed at Invitae indicates that this missense variant is expected to disrupt GCH1 protein function with a positive predictive value of 80%. This variant disrupts the p.Leu91 amino acid residue in GCH1. Other variant(s) that disrupt this residue have been observed in individuals with GCH1-related conditions (PMID: 15753436, 18554280), which suggests that this may be a clinically significant amino acid residue. In summary, the currently available evidence indicates that the variant is pathogenic, but additional data are needed to prove that conclusively. Therefore, this variant has been classified as Likely Pathogenic.

Literature cited by the submitters: PubMed 15753436; PubMed 18554280.